The following is an entry in ClinVar:

NM_213720.3(CHCHD10):c.261+9C>A

Gene: CHCHD10 (coiled-coil-helix-coiled-coil-helix domain containing 10; minus strand). Cytogenetic location: 22q11.23.
Variant type: single nucleotide variant.
Coding change: c.261+9C>A on transcript NM_213720.3 (MANE Select); 9 bases into the intron after coding-DNA position 261, C replaced by A.
Molecular consequence: intron variant.
Genome position (GRCh38, 1-based): chr22:23,767,365, G>T on the plus strand (C>A on the coding strand, the complement: CHCHD10 is on the minus strand). VCF-style: chr22-23767365-G-T. GRCh37 (hg19) VCF-style: chr22-24109552-G-T.
Other names: p.?; c.261+9C>A (NM_001301339.2).
Identifiers: ClinVar variation 743910 (VCV000743910.12), dbSNP rs746028073, ClinGen allele CA322573761.

ClinVar aggregate classification (germline): Likely benign. Review status: criteria provided, multiple submitters, no conflicts (2 of 4 stars). 4 submissions from 4 submitters: Likely benign (3). 1 of the submissions does not count toward it. Last evaluated 2025-12-15.

Conditions:
Autosomal dominant mitochondrial myopathy with exercise intolerance (IMMD). Also called: Myopathy, isolated mitochondrial, autosomal dominant. Identifiers: Orphanet 457050, MedGen C4015513, MONDO:0014532, OMIM 616209.
Lower motor neuron syndrome with late-adult onset (SMAJ). Also called: Late-Onset Spinal Motor Neuronopathy (SMAJ); Spinal muscular atrophy, Jokela type. Identifiers: Orphanet 276435, MedGen C3554398, MONDO:0014025, OMIM 615048.
Frontotemporal dementia and/or amyotrophic lateral sclerosis 2. Also called: FTDALS2. Identifiers: Orphanet 275872, MedGen C4014648, MONDO:0014395, OMIM 615911.
CHCHD10-related disorder. Also called: CHCHD10-Related Disorders; CHCHD10-related condition. Identifiers: MedGen CN381526.

Allele frequency attached by ClinVar (database versions not stated): TOPMed below 0.00001; gnomAD 0.00001.

Submissions (4):

Labcorp Genetics (formerly Invitae), Labcorp
Classification: Likely benign for Lower motor neuron syndrome with late-adult onset; Frontotemporal dementia and/or amyotrophic lateral sclerosis 2; Autosomal dominant mitochondrial myopathy with exercise intolerance. Last evaluated: 2025-12-15. Review status: criteria provided, single submitter. Criteria: Invitae Variant Classification Sherloc (09022015). Collection method: clinical testing. Allele origin: germline.

Mayo Clinic Laboratories, Mayo Clinic
Classification: Likely benign. Last evaluated: 2025-08-19. Review status: criteria provided, single submitter. Criteria: ACMG Guidelines, 2015. Collection method: clinical testing. Allele origin: germline. Observed: 1 variant allele.
Comment: BP4, BP7

Blueprint Genetics
Classification: Likely benign. Last evaluated: 2023-07-27. Review status: criteria provided, single submitter. Criteria: ACMG Guidelines, 2015. Collection method: clinical testing. Allele origin: germline.

PreventionGenetics, part of Exact Sciences
Classification: Likely benign for CHCHD10-related condition. Last evaluated: 2022-12-16. Review status: no assertion criteria provided. Collection method: clinical testing. Allele origin: germline. Not counted in ClinVar's aggregate classification.
Comment: This variant is classified as likely benign based on ACMG/AMP sequence variant interpretation guidelines (Richards et al. 2015 PMID: 25741868, with internal and published modifications).